The following is an entry in ClinVar:

NM_003482.4(KMT2D):c.15565G>A (p.Gly5189Arg)

Gene: KMT2D (lysine methyltransferase 2D; minus strand). Cytogenetic location: 12q13.12.
Variant type: single nucleotide variant.
Coding change: c.15565G>A on transcript NM_003482.4 (MANE Select); coding-DNA position 15565, G replaced by A.
Protein change: p.Gly5189Arg; replaces glycine 5189 with arginine.
Molecular consequence: missense variant.
Genome position (GRCh38, 1-based): chr12:49,026,401, C>T on the plus strand (G>A on the coding strand, the complement: KMT2D is on the minus strand). VCF-style: chr12-49026401-C-T. GRCh37 (hg19) VCF-style: chr12-49420184-C-T.
Other names: short protein forms G5189R.
Identifiers: ClinVar variation 547502 (VCV000547502.10), dbSNP rs1555185701, ClinGen allele CA384686824.

ClinVar aggregate classification (germline): Conflicting classifications of pathogenicity. Review status: criteria provided, conflicting classifications (1 of 4 stars). 2 submissions from 2 submitters: Likely pathogenic (1); Uncertain significance (1). Last evaluated 2019-05-13.

Conditions:
Kabuki syndrome 1 (KABUK1). Also called: KMT2D-Related Kabuki Syndrome. Identifiers: Orphanet 2322, MedGen CN030661, MONDO:0007843, OMIM 147920.
Kabuki syndrome. Also called: NIIKAWA-KUROKI SYNDROME; Kabuki make-up syndrome. Identifiers: Orphanet 2322, MedGen C0796004, MONDO:0016512.

Submissions (2):

Labcorp Genetics (formerly Invitae), Labcorp
Classification: Likely pathogenic for Kabuki syndrome. Last evaluated: 2019-05-13. Review status: criteria provided, single submitter. Criteria: Invitae Variant Classification Sherloc (09022015). Collection method: clinical testing. Allele origin: germline.
Comment: In summary, the currently available evidence indicates that the variant is pathogenic, but additional data are needed to prove that conclusively. Therefore, this variant has been classified as Likely Pathogenic. Algorithms developed to predict the effect of sequence changes on RNA splicing suggest that this variant may create or strengthen a splice site, but this prediction has not been confirmed by published transcriptional studies. This variant has been reported to affect KMT2D protein function (PMID: 30107592). This variant has been observed in individuals affected with clinical features of Kabuki syndrome, in at least one of whom it was found de novo (PMID: 27302555, 23913813, 30107592, Invitae). ClinVar contains an entry for this variant (Variation ID: 547502). This variant is not present in population databases (ExAC no frequency). This sequence change replaces glycine with arginine at codon 5189 of the KMT2D protein (p.Gly5189Arg). The glycine residue is highly conserved and there is a moderate physicochemical difference between glycine and arginine.

Center for Human Genetics, Inc
Classification: Uncertain significance for Kabuki syndrome 1. Last evaluated: 2016-11-01. Review status: criteria provided, single submitter. Criteria: ACMG Guidelines, 2015. Collection method: clinical testing. Allele origin: germline. Affected: yes.

Literature cited by the submitters: PubMed 30107592 (cited by Labcorp Genetics (formerly Invitae), Labcorp); PubMed 27302555 (cited by Labcorp Genetics (formerly Invitae), Labcorp); PubMed 23913813 (cited by Labcorp Genetics (formerly Invitae), Labcorp).